The following is an entry in ClinVar:

ClinVar aggregate classification (germline): Uncertain significance. Review status: criteria provided, multiple submitters, no conflicts (2 of 4 stars). 2 submissions from 2 submitters: Uncertain significance (2). Last evaluated 2024-03-01.

Submissions (2):

GeneDx
Classification: Uncertain significance. Last evaluated: 2024-03-01. Review status: criteria provided, single submitter. Criteria: GeneDx Variant Classification Process June 2021. Collection method: clinical testing. Allele origin: germline. Affected: yes.
Comment: Not observed at significant frequency in large population cohorts (gnomAD); In silico analysis supports that this missense variant has a deleterious effect on protein structure/function; Has not been previously published as pathogenic or benign to our knowledge

Labcorp Genetics (formerly Invitae), Labcorp
Classification: Uncertain significance. Last evaluated: 2023-06-15. Review status: criteria provided, single submitter. Criteria: Invitae Variant Classification Sherloc (09022015). Collection method: clinical testing. Allele origin: germline.
Comment: In summary, the available evidence is currently insufficient to determine the role of this variant in disease. Therefore, it has been classified as a Variant of Uncertain Significance. Advanced modeling of protein sequence and biophysical properties (such as structural, functional, and spatial information, amino acid conservation, physicochemical variation, residue mobility, and thermodynamic stability) performed at Invitae indicates that this missense variant is not expected to disrupt NTRK2 protein function. ClinVar contains an entry for this variant (Variation ID: 1997144). This variant has not been reported in the literature in individuals affected with NTRK2-related conditions. This variant is not present in population databases (gnomAD no frequency). This sequence change replaces glycine, which is neutral and non-polar, with aspartic acid, which is acidic and polar, at codon 513 of the NTRK2 protein (p.Gly513Asp).

NM_006180.6(NTRK2):c.1538G>A (p.Gly513Asp)

Gene: NTRK2 (neurotrophic receptor tyrosine kinase 2; plus strand). Cytogenetic location: 9q21.33.
Variant type: single nucleotide variant.
Coding change: c.1538G>A on transcript NM_006180.6 (MANE Select); coding-DNA position 1538, G replaced by A.
Protein change: p.Gly513Asp; replaces glycine 513 with aspartic acid.
Molecular consequence: missense variant.
Genome position (GRCh38, 1-based): chr9:84,867,336, G>A. VCF-style: chr9-84867336-G-A. GRCh37 (hg19) VCF-style: chr9-87482251-G-A.
Other names: c.1490G>A, p.Gly497Asp (NM_001018064.3, NM_001018066.3, NM_001369532.1 and 2 more transcripts); c.1538G>A, p.Gly513Asp (NM_001018065.2, NM_001369537.1, NM_001381928.1); c.1454G>A, p.Gly485Asp (NM_001369534.1); c.1022G>A, p.Gly341Asp (NM_001369535.1); c.1070G>A, p.Gly357Asp (NM_001369536.1); c.1538G>A (NM_006180.3); short protein forms G357D, G485D, G341D, G497D, G513D.
Identifiers: ClinVar variation 1997144 (VCV001997144.5), dbSNP rs200927720, ClinGen allele CA374005930.